The following is an entry in ClinVar:

NM_001005242.3(PKP2):c.2077A>G (p.Met693Val)

Gene: PKP2 (plakophilin 2; minus strand). Cytogenetic location: 12p11.21.
Variant type: single nucleotide variant.
Coding change: c.2077A>G on transcript NM_001005242.3 (MANE Select); coding-DNA position 2077, A replaced by G.
Protein change: p.Met693Val; replaces methionine 693 with valine.
Molecular consequence: missense variant.
Genome position (GRCh38, 1-based): chr12:32,802,493, T>C on the plus strand (A>G on the coding strand, the complement: PKP2 is on the minus strand). VCF-style: chr12-32802493-T-C. GRCh37 (hg19) VCF-style: chr12-32955427-T-C.
Other names: c.2077A>G, p.Met693Val (NM_001407155.1); c.1912A>G, p.Met638Val (NM_001407156.1); c.1750A>G, p.Met584Val (NM_001407158.1, NM_001407159.1, NM_001407160.1); c.2209A>G, p.Met737Val (NM_004572.4); short protein forms M584V, M638V, M693V, M737V.
Identifiers: ClinVar variation 2720044 (VCV002720044.3), dbSNP rs2541200741, ClinGen allele CA384359828.
Genomic context (GRCh38, chr12:32,802,493, plus strand): 5'-ACAGATTCCTCAGCAGCGAGATGGCTGTCTTTTTCACACTTGGGTCACCAACATGCAGCA[T>C]CTTTCGGGTGTGCTGCAGGCCACTTTCCTTCTGGACAACTGTCTGAGCCACTGATGTCGG-3'
Protein context (NP_001005242.2, residues 683-703): KESGLQHTRK[Met693Val]LHVGDPSVKK

ClinVar aggregate classification (germline): Uncertain significance (1 of 4 stars; one submission).

Conditions:
Arrhythmogenic right ventricular dysplasia 9 (ARVD9). Also called: Arrhythmogenic Right Ventricular Dysplasia/Cardiomyopathy 9; ARRHYTHMOGENIC RIGHT VENTRICULAR DYSPLASIA, FAMILIAL, 9. Identifiers: MedGen C1836906, MONDO:0012180, OMIM 609040.

Submission:

Labcorp Genetics (formerly Invitae), Labcorp
Classification: Uncertain significance for Arrhythmogenic right ventricular dysplasia 9. Last evaluated: 2023-05-25. Review status: criteria provided, single submitter. Criteria: Invitae Variant Classification Sherloc (09022015). Collection method: clinical testing. Allele origin: germline.
Comment: An algorithm developed to predict the effect of missense changes on protein structure and function (PolyPhen-2) suggests that this variant is likely to be disruptive. In summary, the available evidence is currently insufficient to determine the role of this variant in disease. Therefore, it has been classified as a Variant of Uncertain Significance. This sequence change replaces methionine, which is neutral and non-polar, with valine, which is neutral and non-polar, at codon 737 of the PKP2 protein (p.Met737Val). This variant is not present in population databases (gnomAD no frequency). This variant has not been reported in the literature in individuals affected with PKP2-related conditions.